The following is an entry in ClinVar:

ClinVar aggregate classification (germline): Uncertain significance (1 of 4 stars; one submission).

Conditions:
Glycogen storage disease due to muscle beta-enolase deficiency (GSD13). Also called: ENOLASE 3 DEFICIENCY; ENOLASE-BETA DEFICIENCY; GSD XIII; Glycogen Storage Disease Type XIII. Identifiers: Orphanet 99849, MedGen C2752027, MONDO:0013046, OMIM 612932.

Submission:

Labcorp Genetics (formerly Invitae), Labcorp
Classification: Uncertain significance for Glycogen storage disease due to muscle beta-enolase deficiency. Last evaluated: 2022-04-23. Review status: criteria provided, single submitter. Criteria: Invitae Variant Classification Sherloc (09022015). Collection method: clinical testing. Allele origin: germline.
Comment: This variant is not present in population databases (gnomAD no frequency). This sequence change replaces methionine, which is neutral and non-polar, with isoleucine, which is neutral and non-polar, at codon 411 of the ENO3 protein (p.Met411Ile). This variant has not been reported in the literature in individuals affected with ENO3-related conditions. Algorithms developed to predict the effect of missense changes on protein structure and function (SIFT, PolyPhen-2, Align-GVGD) all suggest that this variant is likely to be tolerated. In summary, the available evidence is currently insufficient to determine the role of this variant in disease. Therefore, it has been classified as a Variant of Uncertain Significance.

NM_053013.4(ENO3):c.1233G>A (p.Met411Ile)

Gene: ENO3 (enolase 3; plus strand). Cytogenetic location: 17p13.2.
Variant type: single nucleotide variant.
Coding change: c.1233G>A on transcript NM_053013.4 (MANE Select); coding-DNA position 1233, G replaced by A.
Protein change: p.Met411Ile; replaces methionine 411 with isoleucine.
Molecular consequence: missense variant.
Genome position (GRCh38, 1-based): chr17:4,956,887, G>A. VCF-style: chr17-4956887-G-A. GRCh37 (hg19) VCF-style: chr17-4860182-G-A.
Other names: c.1104G>A, p.Met368Ile (NM_001193503.2); c.1233G>A, p.Met411Ile (NM_001374523.1, NM_001976.5); c.1260G>A, p.Met420Ile (NM_001374524.1); short protein forms M411I, M368I, M420I.
Identifiers: ClinVar variation 2129695 (VCV002129695.4), dbSNP rs2507722185, ClinGen allele CA397295894.